The following is an entry in ClinVar:

ClinVar aggregate classification (germline): Uncertain significance (1 of 4 stars; one submission).

Conditions:
Neurofibromatosis, type 1 (NF1). Also called: Peripheral type neurofibromatosis; Neurofibromatosis, type I; VON RECKLINGHAUSEN DISEASE; NEUROFIBROMATOSIS, TYPE I, SOMATIC. Identifiers: Orphanet 636, MedGen C0027831, MONDO:0018975, OMIM 162200. Disease mechanism: loss of function.

Submission:

Labcorp Genetics (formerly Invitae), Labcorp
Classification: Uncertain significance for Neurofibromatosis, type 1. Last evaluated: 2025-09-15. Review status: criteria provided, single submitter. Criteria: Invitae Variant Classification Sherloc (09022015). Collection method: clinical testing. Allele origin: germline.
Comment: This sequence change falls in intron 52 of the NF1 gene. It does not directly change the encoded amino acid sequence of the NF1 protein. This variant is not present in population databases (gnomAD no frequency). This variant has been observed in individual(s) with clinical features of neurofibromatosis type 1 (PMID: 30014477). ClinVar contains an entry for this variant (Variation ID: 1410365). Algorithms developed to predict the effect of sequence changes on RNA splicing suggest that this variant may disrupt the consensus splice site. In summary, the available evidence is currently insufficient to determine the role of this variant in disease. Therefore, it has been classified as a Variant of Uncertain Significance.

Literature cited by the submitters: PubMed 30014477.

NM_001042492.3(NF1):c.7870-6T>A

Gene: NF1 (neurofibromin 1; plus strand). Cytogenetic location: 17q11.2.
Variant type: single nucleotide variant.
Coding change: c.7870-6T>A on transcript NM_001042492.3 (MANE Select); 6 bases into the intron before coding-DNA position 7870, T replaced by A.
Molecular consequence: intron variant.
Genome position (GRCh38, 1-based): chr17:31,357,263, T>A. VCF-style: chr17-31357263-T-A. GRCh37 (hg19) VCF-style: chr17-29684281-T-A.
Other names: c.7807-6T>A (NM_000267.4).
Identifiers: ClinVar variation 1410365 (VCV001410365.6), dbSNP rs2151583143, ClinGen allele CA2573153453.